The following is an entry in ClinVar:

NM_000719.7(CACNA1C):c.4290G>C (p.Lys1430Asn)

Gene: CACNA1C (calcium voltage-gated channel subunit alpha1 C; plus strand). Cytogenetic location: 12p13.33.
Variant type: single nucleotide variant.
Coding change: c.4290G>C on transcript NM_000719.7 (MANE Select); coding-DNA position 4290, G replaced by C.
Protein change: p.Lys1430Asn; replaces lysine 1430 with asparagine.
Molecular consequence: missense variant.
Genome position (GRCh38, 1-based): chr12:2,664,882, G>C. VCF-style: chr12-2664882-G-C. GRCh37 (hg19) VCF-style: chr12-2774048-G-C.
Other names: c.4434G>C, p.Lys1478Asn (NM_001129827.2, NM_199460.4); c.4356G>C, p.Lys1452Asn (NM_001129829.2); c.4290G>C, p.Lys1430Asn (NM_001129830.3, NM_001129833.2, NM_001129834.2 and 7 more transcripts); c.4374G>C, p.Lys1458Asn (NM_001129831.2); c.4350G>C, p.Lys1450Asn (NM_001129832.2); c.4341G>C, p.Lys1447Asn (NM_001129836.2); c.4257G>C, p.Lys1419Asn (NM_001129837.2, NM_001129838.2, NM_001129846.2 and 1 more transcripts); c.4251G>C, p.Lys1417Asn (NM_001129839.2); and 1 more; short protein forms K1417N, K1419N, K1427N, K1430N, K1447N, K1450N, K1452N, K1458N.
Identifiers: ClinVar variation 1015562 (VCV001015562.9), dbSNP rs767790076, ClinGen allele CA383375770.

ClinVar aggregate classification (germline): Uncertain significance (1 of 4 stars; one submission).

Conditions:
Long QT syndrome (LQTS). Identifiers: MedGen C0023976, MeSH D008133, MONDO:0002442. Disease mechanism: loss of function. Inheritance: Various modes of inheritance.

gnomAD v4.1: 2 of 1,613,134 alleles (0.00012%); highest among the groups gnomAD compares: Non-Finnish European, 0.00017%; no homozygotes.

Submission:

Labcorp Genetics (formerly Invitae), Labcorp
Classification: Uncertain significance for Long QT syndrome. Last evaluated: 2026-01-05. Review status: criteria provided, single submitter. Criteria: Invitae Variant Classification Sherloc (09022015). Collection method: clinical testing. Allele origin: germline.
Comment: This sequence change replaces lysine, which is basic and polar, with asparagine, which is neutral and polar, at codon 1430 of the CACNA1C protein (p.Lys1430Asn). This variant is present in population databases (no rsID available, gnomAD 0.0009%). This variant has not been reported in the literature in individuals affected with CACNA1C-related conditions. ClinVar contains an entry for this variant (Variation ID: 1015562). Invitae Evidence Modeling of protein sequence and biophysical properties (such as structural, functional, and spatial information, amino acid conservation, physicochemical variation, residue mobility, and thermodynamic stability) has been performed for this missense variant. However, the output from this modeling did not meet the statistical confidence thresholds required to predict the impact of this variant on CACNA1C protein function. In summary, the available evidence is currently insufficient to determine the role of this variant in disease. Therefore, it has been classified as a Variant of Uncertain Significance.